The following is an entry in ClinVar:

ClinVar aggregate classification (germline): Uncertain significance (1 of 4 stars; one submission).

Conditions:
Inborn genetic diseases. Identifiers: MedGen C0950123, MeSH D030342.

Allele frequency attached by ClinVar (database versions not stated): gnomAD exomes below 0.00001; ExAC 0.00001.
gnomAD v4.1: 1 of 1,611,012 alleles (0.000062%); highest among the groups gnomAD compares: East Asian, 0.0022%; no homozygotes.

Submission:

Ambry Genetics
Classification: Uncertain significance for Inborn genetic diseases. Last evaluated: 2024-04-16. Review status: criteria provided, single submitter. Criteria: Ambry Variant Classification Scheme 2023. Collection method: clinical testing. Allele origin: germline.
Comment: The p.S310C variant (also known as c.929C>G), located in coding exon 9 of the MDH2 gene, results from a C to G substitution at nucleotide position 929. The serine at codon 310 is replaced by cysteine, an amino acid with dissimilar properties. This amino acid position is conserved. In addition, this alteration is predicted to be tolerated by in silico analysis. Since supporting evidence is limited at this time, the clinical significance of this alteration remains unclear.

NM_005918.4(MDH2):c.929C>G (p.Ser310Cys)

Gene: MDH2 (malate dehydrogenase 2; plus strand). Cytogenetic location: 7q11.23.
Variant type: single nucleotide variant.
Coding change: c.929C>G on transcript NM_005918.4 (MANE Select); coding-DNA position 929, C replaced by G.
Protein change: p.Ser310Cys; replaces serine 310 with cysteine.
Molecular consequence: missense variant.
Genome position (GRCh38, 1-based): chr7:76,066,322, C>G. VCF-style: chr7-76066322-C-G. GRCh37 (hg19) VCF-style: chr7-75695640-C-G.
Other names: c.803C>G, p.Ser268Cys (NM_001282403.2); c.608C>G, p.Ser203Cys (NM_001282404.2); short protein forms S268C, S203C, S310C.
Identifiers: ClinVar variation 1766457 (VCV001766457.3), dbSNP rs782239530, ClinGen allele CA4305773.